The following is an entry in ClinVar:

ClinVar aggregate classification (germline): Uncertain significance. Review status: criteria provided, multiple submitters, no conflicts (2 of 4 stars). 4 submissions from 4 submitters: Uncertain significance (3). 1 of the submissions does not count toward it. Last evaluated 2024-12-16.

Conditions:
Glycine encephalopathy. Also called: Non-ketotic hyperglycinemia; Nonketotic hyperglycinemia. Identifiers: Orphanet 407, MedGen C0751748, MONDO:0011612, HP:0008288.
Inborn genetic diseases. Identifiers: MedGen C0950123, MeSH D030342.

Allele frequency attached by ClinVar (database versions not stated): gnomAD 0.00004 and 0.00005; gnomAD exomes 0.00006; ExAC 0.00007; TOPMed 0.00008.

Submissions (4):

Labcorp Genetics (formerly Invitae), Labcorp
Classification: Uncertain significance for Glycine encephalopathy. Last evaluated: 2024-12-16. Review status: criteria provided, single submitter. Criteria: Invitae Variant Classification Sherloc (09022015). Collection method: clinical testing. Allele origin: germline.
Comment: This sequence change replaces alanine, which is neutral and non-polar, with threonine, which is neutral and polar, at codon 146 of the AMT protein (p.Ala146Thr). This variant is present in population databases (rs570868528, gnomAD 0.009%). This variant has not been reported in the literature in individuals affected with AMT-related conditions. ClinVar contains an entry for this variant (Variation ID: 531768). Invitae Evidence Modeling of protein sequence and biophysical properties (such as structural, functional, and spatial information, amino acid conservation, physicochemical variation, residue mobility, and thermodynamic stability) indicates that this missense variant is expected to disrupt AMT protein function with a positive predictive value of 95%. In summary, the available evidence is currently insufficient to determine the role of this variant in disease. Therefore, it has been classified as a Variant of Uncertain Significance.

Ambry Genetics
Classification: Uncertain significance for Inborn genetic diseases. Last evaluated: 2023-03-29. Review status: criteria provided, single submitter. Criteria: Ambry Variant Classification Scheme 2023. Collection method: clinical testing. Allele origin: germline.

Fulgent Genetics
Classification: Uncertain significance for Glycine encephalopathy 1. Last evaluated: 2022-01-19. Review status: criteria provided, single submitter. Criteria: ACMG Guidelines, 2015. Collection method: clinical testing. Allele origin: unknown.

Natera, Inc.
Classification: Uncertain significance for Non-ketotic hyperglycinemia. Last evaluated: 2019-10-28. Review status: no assertion criteria provided. Collection method: clinical testing. Allele origin: germline. Not counted in ClinVar's aggregate classification.

NM_000481.4(AMT):c.436G>A (p.Ala146Thr)

Gene: AMT (aminomethyltransferase; minus strand). Cytogenetic location: 3p21.31.
Variant type: single nucleotide variant.
Coding change: c.436G>A on transcript NM_000481.4 (MANE Select); coding-DNA position 436, G replaced by A.
Protein change: p.Ala146Thr; replaces alanine 146 with threonine.
Molecular consequence: missense variant. On other transcripts: non-coding transcript variant (1), intron variant (1).
Genome position (GRCh38, 1-based): chr3:49,420,246, C>T on the plus strand (G>A on the coding strand, the complement: AMT is on the minus strand). VCF-style: chr3-49420246-C-T. GRCh37 (hg19) VCF-style: chr3-49457679-C-T.
Other names: c.268G>A, p.Ala90Thr (NM_001164711.2); c.436G>A, p.Ala146Thr (NM_001164712.2); c.340-458G>A (NM_001164710.2); short protein forms A146T, A90T.
Identifiers: ClinVar variation 531768 (VCV000531768.11), dbSNP rs570868528, ClinGen allele CA2398372.
Genomic context (GRCh38, chr3:49,420,246, plus strand): 5'-TGTCTAGAACACAGAGGGGGTATACCTGCATGAGGGCCAAATCTTTCTCCCAGCAGCCAG[C>T]GTTGGACACCACATACAGGTGGCCCTCAGAAGTATTGGTTACAATCAAGTCATCTAAGAT-3'
Protein context (NP_000472.2, residues 136-156): SEGHLYVVSN[Ala146Thr]GCWEKDLALM